The following is an entry in ClinVar:

NM_007194.4(CHEK2):c.894T>C (p.Tyr298=)

Gene: CHEK2 (checkpoint kinase 2; minus strand). Cytogenetic location: 22q12.1.
Variant type: single nucleotide variant.
Coding change: c.894T>C on transcript NM_007194.4 (MANE Select); coding-DNA position 894, T replaced by C.
Protein change: p.Tyr298=; no amino-acid change (tyrosine 298 retained).
Molecular consequence: synonymous variant.
Genome position (GRCh38, 1-based): chr22:28,703,519, A>G on the plus strand (T>C on the coding strand, the complement: CHEK2 is on the minus strand). VCF-style: chr22-28703519-A-G. GRCh37 (hg19) VCF-style: chr22-29099507-A-G.
Other names: c.1023T>C, p.Tyr341= (NM_001005735.3); c.231T>C, p.Tyr77= (NM_001257387.3); c.693T>C, p.Tyr231= (NM_001349956.3); c.894T>C, p.Tyr298= (NM_145862.3).
Identifiers: ClinVar variation 2452074 (VCV002452074.3), dbSNP rs876659519, ClinGen allele CA513945075.

ClinVar aggregate classification (germline): Benign/Likely benign. Review status: criteria provided, multiple submitters, no conflicts (2 of 4 stars). 2 submissions from 2 submitters: Benign (1); Likely benign (1). Last evaluated 2024-10-03.

Conditions:
Familial cancer of breast. Also called: BREAST CANCER, FAMILIAL; Hereditary breast cancer; hereditary breast carcinoma. Identifiers: Orphanet 227535, MedGen C0346153, MONDO:0016419, OMIM 114480. Disease mechanism: loss of function.
Hereditary cancer-predisposing syndrome. Also called: Neoplastic Syndromes, Hereditary; Tumor predisposition; Hereditary neoplastic syndrome; Hereditary Cancer Syndrome. Identifiers: Orphanet 140162, MedGen C0027672, MeSH D009386, MONDO:0015356.

Submissions (2):

Myriad Genetics, Inc.
Classification: Benign for Familial cancer of breast. Last evaluated: 2024-10-03. Review status: criteria provided, single submitter. Criteria: Myriad Autosomal Dominant, Autosomal Recessive and X-Linked Classification Criteria (2023). Collection method: clinical testing. Allele origin: unknown.
Comment: This variant is considered benign. This variant is a silent/synonymous amino acid change and it is not expected to impact splicing.

Ambry Genetics
Classification: Likely benign for Hereditary cancer-predisposing syndrome. Last evaluated: 2022-12-17. Review status: criteria provided, single submitter. Criteria: Ambry Variant Classification Scheme 2023. Collection method: clinical testing. Allele origin: germline.